The following is an entry in ClinVar:

NM_006914.4(RORB):c.1224+2T>C

Gene: RORB (RAR related orphan receptor B; plus strand). Cytogenetic location: 9q21.13.
Variant type: single nucleotide variant.
Coding change: c.1224+2T>C on transcript NM_006914.4 (MANE Select); the canonical splice donor site of the intron after coding-DNA position 1224, T replaced by C.
Molecular consequence: splice donor variant.
Genome position (GRCh38, 1-based): chr9:74,671,903, T>C. VCF-style: chr9-74671903-T-C. GRCh37 (hg19) VCF-style: chr9-77286819-T-C.
Other names: c.1257+2T>C (NM_001365023.1).
Identifiers: ClinVar variation 1308852 (VCV001308852.2), dbSNP rs2118546168, ClinGen allele CA373771853.

ClinVar aggregate classification (germline): Uncertain significance (1 of 4 stars; one submission).

Submission:

GeneDx
Classification: Uncertain significance. Last evaluated: 2019-10-06. Review status: criteria provided, single submitter. Criteria: GeneDx Variant Classification Process June 2021. Collection method: clinical testing. Allele origin: germline. Affected: yes.
Comment: Not observed in large population cohorts (Lek et al., 2016); Canonical splice site variant in a gene for which loss-of-function is not a known mechanism of disease; Has not been previously published as pathogenic or benign to our knowledge; Variants in candidate genes are classified as variants of uncertain significance in accordance with ACMG guidelines (Richards et al., 2015)